The following is an entry in ClinVar:

NM_002474.3(MYH11):c.3840C>G (p.Asp1280Glu)

Gene: MYH11 (myosin heavy chain 11; minus strand). Cytogenetic location: 16p13.11.
Variant type: single nucleotide variant.
Coding change: c.3840C>G on transcript NM_002474.3 (MANE Select); coding-DNA position 3840, C replaced by G.
Protein change: p.Asp1280Glu; replaces aspartic acid 1280 with glutamic acid.
Molecular consequence: missense variant.
Genome position (GRCh38, 1-based): chr16:15,726,866, G>C on the plus strand (C>G on the coding strand, the complement: MYH11 is on the minus strand). VCF-style: chr16-15726866-G-C. GRCh37 (hg19) VCF-style: chr16-15820723-G-C.
Other names: c.3861C>G, p.Asp1287Glu (NM_001040113.2, NM_001040114.2); c.3840C>G, p.Asp1280Glu (NM_022844.3); short protein forms D1287E, D1280E.
Identifiers: ClinVar variation 1986869 (VCV001986869.4), dbSNP rs1279730451, ClinGen allele CA394859960.

ClinVar aggregate classification (germline): Uncertain significance (1 of 4 stars; one submission).

Conditions:
Aortic aneurysm, familial thoracic 4 (AAT4). Also called: AORTIC ANEURYSM/AORTIC DISSECTION AND PATENT DUCTUS ARTERIOSUS. Identifiers: MedGen C1851504, MONDO:0007568, OMIM 132900.

Allele frequency attached by ClinVar (database versions not stated): TOPMed below 0.00001.
gnomAD v4.1: 1 of 1,612,142 alleles (0.000062%); highest among the groups gnomAD compares: Admixed American, 0.0017%; no homozygotes.

Submission:

Labcorp Genetics (formerly Invitae), Labcorp
Classification: Uncertain significance for Aortic aneurysm, familial thoracic 4. Last evaluated: 2025-05-05. Review status: criteria provided, single submitter. Criteria: Invitae Variant Classification Sherloc (09022015). Collection method: clinical testing. Allele origin: germline.
Comment: This sequence change replaces aspartic acid, which is acidic and polar, with glutamic acid, which is acidic and polar, at codon 1287 of the MYH11 protein (p.Asp1287Glu). This variant is not present in population databases (gnomAD no frequency). This variant has not been reported in the literature in individuals affected with MYH11-related conditions. ClinVar contains an entry for this variant (Variation ID: 1986869). Invitae Evidence Modeling of protein sequence and biophysical properties (such as structural, functional, and spatial information, amino acid conservation, physicochemical variation, residue mobility, and thermodynamic stability) indicates that this missense variant is not expected to disrupt MYH11 protein function with a negative predictive value of 95%. In summary, the available evidence is currently insufficient to determine the role of this variant in disease. Therefore, it has been classified as a Variant of Uncertain Significance.